The following is an entry in ClinVar:

ClinVar aggregate classification (germline): Uncertain significance (1 of 4 stars; one submission).

Submission:

Ambry Genetics
Classification: Uncertain significance. Last evaluated: 2021-12-12. Review status: criteria provided, single submitter. Criteria: Ambry Variant Classification Scheme 2023. Collection method: clinical testing. Allele origin: germline.
Comment: The p.A1289S variant (also known as c.3865G>T), located in coding exon 17 of the NPAT gene, results from a G to T substitution at nucleotide position 3865. The alanine at codon 1289 is replaced by serine, an amino acid with similar properties. This amino acid position is conserved. In addition, this alteration is predicted to be tolerated by in silico analysis. Since supporting evidence is limited at this time, the clinical significance of this alteration remains unclear.

NM_002519.3(NPAT):c.3865G>T (p.Ala1289Ser)

Gene: NPAT (nuclear protein, coactivator of histone transcription; minus strand). Cytogenetic location: 11q22.3.
Variant type: single nucleotide variant.
Coding change: c.3865G>T on transcript NM_002519.3 (MANE Select); coding-DNA position 3865, G replaced by T.
Protein change: p.Ala1289Ser; replaces alanine 1289 with serine.
Molecular consequence: missense variant.
Genome position (GRCh38, 1-based): chr11:108,161,221, C>A on the plus strand (G>T on the coding strand, the complement: NPAT is on the minus strand). VCF-style: chr11-108161221-C-A. GRCh37 (hg19) VCF-style: chr11-108031948-C-A.
Other names: c.3886G>T, p.Ala1296Ser (NM_001321307.1); short protein forms A1289S, A1296S.
Identifiers: ClinVar variation 1735636 (VCV001735636.2), dbSNP rs2496694328, ClinGen allele CA382509876.
Genomic context (GRCh38, chr11:108,161,221, plus strand): 5'-CAGGAGGGACCATTACTTTTGATGTACTACTGTCTTCACTGAAACGCCTACTAGAGGGGG[C>A]CTTGATAATATCTATAGGTTCTTCTTTATGTTTTTCCCCTGCCCCTGAGCCAGGTGTCCG-3'
Protein context (NP_002510.2, residues 1279-1299): HKEEPIDIIK[Ala1289Ser]PSSRRFSEDS